The following is an entry in ClinVar:

ClinVar aggregate classification (germline): Pathogenic/Likely pathogenic. Review status: criteria provided, multiple submitters, no conflicts (2 of 4 stars). 2 submissions from 2 submitters: Pathogenic (1); Likely pathogenic (1). Last evaluated 2025-08-29.

Conditions:
Chédiak-Higashi syndrome (CHS). Also called: Chediak-Higashi Syndrome. Identifiers: Orphanet 167, MedGen C0007965, MONDO:0008963, OMIM 214500.

Allele frequency attached by ClinVar (database versions not stated): gnomAD exomes below 0.00001; TOPMed below 0.00001; gnomAD 0.00001.

Submissions (2):

Labcorp Genetics (formerly Invitae), Labcorp
Classification: Pathogenic for Chédiak-Higashi syndrome. Last evaluated: 2025-08-29. Review status: criteria provided, single submitter. Criteria: Invitae Variant Classification Sherloc (09022015). Collection method: clinical testing. Allele origin: germline.
Comment: This sequence change creates a premature translational stop signal (p.Tyr3628*) in the LYST gene. It is expected to result in an absent or disrupted protein product. Loss-of-function variants in LYST are known to be pathogenic (PMID: 9215679, 11857544). This variant is present in population databases (no rsID available, gnomAD 0.0009%). This premature translational stop signal has been observed in individual(s) with ChediakHigashi syndrome (PMID: 37788905). ClinVar contains an entry for this variant (Variation ID: 3241840). Algorithms developed to predict the effect of sequence changes on RNA splicing suggest that this variant may disrupt the consensus splice site. For these reasons, this variant has been classified as Pathogenic.

Fulgent Genetics
Classification: Likely pathogenic for Chédiak-Higashi syndrome. Last evaluated: 2024-03-18. Review status: criteria provided, single submitter. Criteria: ACMG Guidelines, 2015. Collection method: clinical testing. Allele origin: germline.

Literature cited by the submitters: PubMed 9215679 (cited by Labcorp Genetics (formerly Invitae), Labcorp); PubMed 11857544 (cited by Labcorp Genetics (formerly Invitae), Labcorp); PubMed 37788905 (cited by Labcorp Genetics (formerly Invitae), Labcorp).

NM_000081.4(LYST):c.10883dup (p.Tyr3628Ter)

Gene: LYST (lysosomal trafficking regulator; minus strand). Cytogenetic location: 1q42.3.
Variant type: Duplication.
Coding change: c.10883dup on transcript NM_000081.4 (MANE Select); coding-DNA position 10883, one base duplicated (A; older notation c.10883dupA).
Protein change: p.Tyr3628Ter; replaces tyrosine 3628 with a stop codon.
Molecular consequence: nonsense.
Genome position (GRCh38, 1-based): chr1:235,677,537, T duplicated on the plus strand (A on the coding strand, the reverse complement: LYST is on the minus strand). VCF-style (leftmost placement, unchanged base first): chr1-235677536-G-GT. GRCh37 (hg19) VCF-style: chr1-235840836-G-GT.
Other names: c.10883dup, p.Tyr3628Ter (NM_001301365.1); short protein forms Y3628*.
Identifiers: ClinVar variation 3241840 (VCV003241840.4), dbSNP rs1238562877.